The following is an entry in ClinVar:

NM_018418.5(SPATA7):c.418dup (p.Met140fs)

Gene: SPATA7 (spermatogenesis associated 7; plus strand). Cytogenetic location: 14q31.3.
Variant type: Duplication.
Coding change: c.418dup on transcript NM_018418.5 (MANE Select); coding-DNA position 418, one base duplicated (A; older notation c.418dupA).
Protein change: p.Met140fs; shifts the reading frame from methionine 140.
Molecular consequence: frameshift variant.
Genome position (GRCh38, 1-based): chr14:88,426,277, A duplicated; the last of 3 consecutive A bases (chr14:88,426,275-88,426,277); duplicating any one gives the same sequence. VCF-style (leftmost placement, unchanged base first): chr14-88426274-G-GA. GRCh37 (hg19) VCF-style: chr14-88892618-G-GA.
Other names: c.322dup, p.Met108fs (NM_001040428.4); short protein forms M108fs, M140fs.
Identifiers: ClinVar variation 1451496 (VCV001451496.6), dbSNP rs2139995462, ClinGen allele CA2573150209.
Genomic context (GRCh38, chr14:88,426,274, plus strand): 5'-CATATCGAATGTTCTTAGCCCTCAGGCGAACCGCAAATTGAGGATGACATGTTAAAAGAA[G>GA]AAATGAATGGATTTTCATCCTTTGCAAGGTCACTAGTACCCTCTTCAGAGAGACTACACC-3'

ClinVar aggregate classification (germline): Pathogenic (1 of 4 stars; one submission).

Conditions:
Leber congenital amaurosis 3 (LCA3). Also called: SPATA7-Related Retinitis Pigmentosa. Identifiers: MedGen C1858677, MONDO:0011415, OMIM 604232.

Submission:

Labcorp Genetics (formerly Invitae), Labcorp
Classification: Pathogenic for Leber congenital amaurosis 3. Last evaluated: 2021-05-08. Review status: criteria provided, single submitter. Criteria: Invitae Variant Classification Sherloc (09022015). Collection method: clinical testing. Allele origin: germline.
Comment: This variant is not present in population databases (ExAC no frequency). For these reasons, this variant has been classified as Pathogenic. This variant has not been reported in the literature in individuals with SPATA7-related conditions. This sequence change creates a premature translational stop signal (p.Met140Asnfs*24) in the SPATA7 gene. It is expected to result in an absent or disrupted protein product. Loss-of-function variants in SPATA7 are known to be pathogenic (PMID: 19268277, 22334370, 23847139, 26047050, 26261414).

Literature cited by the submitters: PubMed 19268277; PubMed 22334370; PubMed 23847139; PubMed 26047050; PubMed 26261414.